The following is an entry in ClinVar:

ClinVar aggregate classification (germline): Uncertain significance. Review status: criteria provided, single submitter (1 of 4 stars). 2 submissions from 2 submitters: Uncertain significance (1). 1 of the submissions does not count toward it. Last evaluated 2024-12-24.

Conditions:
COL11A1-related disorder. Also called: COL11A1-related disorders; COL11A1-related condition.

gnomAD v4.1: 1 of 1,611,382 alleles (0.000062%); highest among the groups gnomAD compares: Non-Finnish European, 0.000085%; no homozygotes.

Submissions (2):

Labcorp Genetics (formerly Invitae), Labcorp
Classification: Uncertain significance. Last evaluated: 2024-12-24. Review status: criteria provided, single submitter. Criteria: Invitae Variant Classification Sherloc (09022015). Collection method: clinical testing. Allele origin: germline.
Comment: This sequence change replaces proline, which is neutral and non-polar, with serine, which is neutral and polar, at codon 1059 of the COL11A1 protein (p.Pro1059Ser). This variant is not present in population databases (gnomAD no frequency). This variant has not been reported in the literature in individuals affected with COL11A1-related conditions. ClinVar contains an entry for this variant (Variation ID: 3047374). Invitae Evidence Modeling of protein sequence and biophysical properties (such as structural, functional, and spatial information, amino acid conservation, physicochemical variation, residue mobility, and thermodynamic stability) indicates that this missense variant is not expected to disrupt COL11A1 protein function with a negative predictive value of 80%. In summary, the available evidence is currently insufficient to determine the role of this variant in disease. Therefore, it has been classified as a Variant of Uncertain Significance.

PreventionGenetics, part of Exact Sciences
Classification: Uncertain significance for COL11A1-related condition. Last evaluated: 2023-12-13. Review status: no assertion criteria provided. Collection method: clinical testing. Allele origin: germline. Not counted in ClinVar's aggregate classification.
Comment: The COL11A1 c.3175C>T variant is predicted to result in the amino acid substitution p.Pro1059Ser. To our knowledge, this variant has not been reported in the literature or in a large population database, indicating this variant is rare. At this time, the clinical significance of this variant is uncertain due to the absence of conclusive functional and genetic evidence.

NM_001854.4(COL11A1):c.3175C>T (p.Pro1059Ser)

Gene: COL11A1 (collagen type XI alpha 1 chain; minus strand). Cytogenetic location: 1p21.1.
Variant type: single nucleotide variant.
Coding change: c.3175C>T on transcript NM_001854.4 (MANE Select); coding-DNA position 3175, C replaced by T.
Protein change: p.Pro1059Ser; replaces proline 1059 with serine.
Molecular consequence: missense variant. On other transcripts: non-coding transcript variant (1).
Genome position (GRCh38, 1-based): chr1:102,946,950, G>A on the plus strand (C>T on the coding strand, the complement: COL11A1 is on the minus strand). VCF-style: chr1-102946950-G-A. GRCh37 (hg19) VCF-style: chr1-103412506-G-A.
Other names: c.2827C>T, p.Pro943Ser (NM_001168249.1, NM_080630.4); c.3058C>T, p.Pro1020Ser (NM_001190709.2); c.3211C>T, p.Pro1071Ser (NM_080629.3); short protein forms P1020S, P1059S, P1071S, P943S.
Identifiers: ClinVar variation 3047374 (VCV003047374.4), dbSNP rs758428843, ClinGen allele CA341171458.
Genomic context (GRCh38, chr1:102,946,950, plus strand): 5'-GTCCCGGGCGCCCTGGTAAACCAATTGGGCCAGCTGTACCTGCTGACCCACGTTCTCCTG[G>A]TGAGCCCTAGTATACAGGAAAAGAAGTATTTTGTTATTAAAGAAAGTAATACTGGCTTAA-3'
Protein context (NP_001845.3, residues 1049-1069): PQGPPGPVGS[Pro1059Ser]GERGSAGTAG